The following is an entry in ClinVar:

ClinVar aggregate classification (germline): Likely benign. Review status: criteria provided, multiple submitters, no conflicts (2 of 4 stars). 2 submissions from 2 submitters: Likely benign (2). Last evaluated 2025-10-08.

Conditions:
Muscular dystrophy-dystroglycanopathy type B6 (MDDGB6). Also called: MUSCULAR DYSTROPHY, CONGENITAL, LARGE-RELATED; MUSCULAR DYSTROPHY, CONGENITAL, TYPE 1D; MUSCULAR DYSTROPHY-DYSTROGLYCANOPATHY (CONGENITAL WITH IMPAIRED INTELLECTUAL DEVELOPMENT), TYPE B, 6. Identifiers: MedGen C1837229, MONDO:0012138, OMIM 608840.

Allele frequency attached by ClinVar (database versions not stated): TOPMed below 0.00001; gnomAD 0.00001; gnomAD exomes 0.00001 and 0.00002; ExAC 0.00002.
gnomAD v4.1: 22 of 1,614,056 alleles (0.0014%); highest among the groups gnomAD compares: Non-Finnish European, 0.0016%; no homozygotes.

Submissions (2):

Labcorp Genetics (formerly Invitae), Labcorp
Classification: Likely benign for Muscular dystrophy-dystroglycanopathy type B6. Last evaluated: 2025-10-08. Review status: criteria provided, single submitter. Criteria: Invitae Variant Classification Sherloc (09022015). Collection method: clinical testing. Allele origin: germline.

GeneDx
Classification: Likely benign. Last evaluated: 2016-03-17. Review status: criteria provided, single submitter. Criteria: GeneDx Variant Classification (06012015). Collection method: clinical testing. Allele origin: germline. Affected: yes.
Comment: This variant is considered likely benign or benign based on one or more of the following criteria: it is a conservative change, it occurs at a poorly conserved position in the protein, it is predicted to be benign by multiple in silico algorithms, and/or has population frequency not consistent with disease.

NM_133642.5(LARGE1):c.717C>T (p.Ile239=)

Gene: LARGE1 (LARGE xylosyl- and glucuronyltransferase 1; minus strand). Cytogenetic location: 22q12.3.
Variant type: single nucleotide variant.
Coding change: c.717C>T on transcript NM_133642.5 (MANE Select); coding-DNA position 717, C replaced by T.
Protein change: p.Ile239=; no amino-acid change (isoleucine 239 retained).
Molecular consequence: synonymous variant.
Genome position (GRCh38, 1-based): chr22:33,564,918, G>A on the plus strand (C>T on the coding strand, the complement: LARGE1 is on the minus strand). VCF-style: chr22-33564918-G-A. GRCh37 (hg19) VCF-style: chr22-33960904-G-A.
Other names: c.717C>T, p.Ile239= (NM_001362949.2, NM_001362951.2, NM_001362953.2 and 7 more transcripts); c.114C>T, p.Ile38= (NM_001378630.1, NM_001378631.1).
Identifiers: ClinVar variation 384483 (VCV000384483.4), dbSNP rs761927446, ClinGen allele CA10202952.